The following is an entry in ClinVar:

ClinVar aggregate classification (germline): Likely benign. Review status: criteria provided, multiple submitters, no conflicts (2 of 4 stars). 2 submissions from 2 submitters: Likely benign (2). Last evaluated 2026-06-01.

Conditions:
Familial sleep-related hypermotor epilepsy. Also called: Autosomal Dominant Sleep-Related Hypermotor (Hyperkinetic) Epilepsy. Identifiers: Orphanet 98784, MedGen C3696898, MONDO:0000030.

Allele frequency attached by ClinVar (database versions not stated): gnomAD 0.00001; gnomAD exomes 0.00001 and 0.00006; TOPMed 0.00003; ExAC 0.00004.

Submissions (2):

CeGaT Center for Human Genetics Tuebingen
Classification: Likely benign. Last evaluated: 2026-06-01. Review status: criteria provided, single submitter. Criteria: CeGaT Center For Human Genetics Tuebingen Variant Classification Criteria Version 2. Collection method: clinical testing. Allele origin: germline. Affected: yes. Observed: 1 variant allele.
Comment: CHRNA2: BP4

Labcorp Genetics (formerly Invitae), Labcorp
Classification: Likely benign. Last evaluated: 2025-04-17. Review status: criteria provided, single submitter. Criteria: Invitae Variant Classification Sherloc (09022015). Collection method: clinical testing. Allele origin: germline.

NM_000742.4(CHRNA2):c.1464+7_1464+8del

Gene: CHRNA2 (cholinergic receptor nicotinic alpha 2 subunit; minus strand). Cytogenetic location: 8p21.2.
Variant type: Deletion.
Coding change: c.1464+7_1464+8del on transcript NM_000742.4 (MANE Select); bases 7 to 8 of the intron after coding-DNA position 1464, 2 bases deleted (TG; older notation c.1464+7_1464+8delTG).
Molecular consequence: intron variant.
Genome position (GRCh38, 1-based): chr8:27,462,971-27,462,972, CA deleted on the plus strand (TG on the coding strand, the reverse complement: CHRNA2 is on the minus strand). VCF-style (leftmost placement, unchanged base first): chr8-27462970-CCA-C. GRCh37 (hg19) VCF-style: chr8-27320487-CCA-C.
Other names: c.1464+7_1464+8del (NM_000742.3); c.987+7_987+8del (NM_001347705.2, NM_001347706.2); c.1419+7_1419+8del (NM_001282455.2); c.870+7_870+8del (NM_001347708.2, NM_001347707.2).
Identifiers: ClinVar variation 476989 (VCV000476989.12), dbSNP rs763426344, ClinGen allele CA4689451.